The following is an entry in ClinVar:

ClinVar aggregate classification (germline): Uncertain significance. Review status: criteria provided, multiple submitters, no conflicts (2 of 4 stars). 2 submissions from 2 submitters: Uncertain significance (2). Last evaluated 2024-09-23.

Conditions:
Long QT syndrome (LQTS). Identifiers: MedGen C0023976, MeSH D008133, MONDO:0002442. Disease mechanism: loss of function. Inheritance: Various modes of inheritance.

Allele frequency attached by ClinVar (database versions not stated): gnomAD exomes 0.00001; ExAC 0.00002; gnomAD 0.00005.

Submissions (2):

All of Us Research Program, National Institutes of Health
Classification: Uncertain significance for Long QT syndrome. Last evaluated: 2024-09-23. Review status: criteria provided, single submitter. Criteria: ACMG Guidelines, 2015. Collection method: clinical testing. Allele origin: germline. Inheritance: Autosomal dominant inheritance. Observed: 2 variant alleles, 2 heterozygotes.
Comment: This study involves interpretation of variants in research participants for the purpose of population health screening. Participant phenotype was not available at the time of variant classification. Additional details can be found in publication PMID: 35346344, PMCID: PMC8962531

Labcorp Genetics (formerly Invitae), Labcorp
Classification: Uncertain significance for Long QT syndrome. Last evaluated: 2021-08-20. Review status: criteria provided, single submitter. Criteria: Invitae Variant Classification Sherloc (09022015). Collection method: clinical testing. Allele origin: germline.

NM_000238.4(KCNH2):c.2689_2690insCGGAC (p.Lys897fs)

Gene: KCNH2 (potassium voltage-gated channel subfamily H member 2; minus strand). Cytogenetic location: 7q36.1.
Variant type: Insertion.
Coding change: c.2689_2690insCGGAC on transcript NM_000238.4 (MANE Select); coding-DNA positions 2689 to 2690, CGGAC inserted.
Protein change: p.Lys897fs; shifts the reading frame from lysine 897.
Molecular consequence: frameshift variant.
Genome position: GRCh38 VCF-style: chr7-150948446-T-TGTCCG. GRCh37 (hg19) VCF-style: chr7-150645534-T-TGTCCG.
Other names: c.1669_1670insCGGAC, p.Lys557fs (NM_172057.3); short protein forms K897fs, K557fs.
Identifiers: ClinVar variation 1046011 (VCV001046011.5), dbSNP rs767910122, ClinGen allele CA4566424.